The following is an entry in ClinVar:

NM_006005.3(WFS1):c.*54A>G

Gene: WFS1 (wolframin ER transmembrane glycoprotein; plus strand). Cytogenetic location: 4p16.1.
Variant type: single nucleotide variant.
Coding change: c.*54A>G on transcript NM_006005.3 (MANE Select); 54 bases downstream of the stop codon, A replaced by G.
Molecular consequence: 3 prime UTR variant.
Genome position (GRCh38, 1-based): chr4:6,302,522, A>G. VCF-style: chr4-6302522-A-G. GRCh37 (hg19) VCF-style: chr4-6304249-A-G.
Other names: c.*54A>G (NM_001145853.1).
Identifiers: ClinVar variation 349333 (VCV000349333.8), dbSNP rs71526455, ClinGen allele CA10618108.

ClinVar aggregate classification (germline): Benign. Review status: criteria provided, multiple submitters, no conflicts (2 of 4 stars). 5 submissions from 4 submitters: Benign (5). Last evaluated 2018-07-15.

Conditions:
WFS1-Related Spectrum Disorders.
Autosomal dominant nonsyndromic hearing loss 6 (LFSNHL). Also called: DEAFNESS, AUTOSOMAL DOMINANT 6; DEAFNESS, AUTOSOMAL DOMINANT 14; DEAFNESS, AUTOSOMAL DOMINANT 38; Autosomal dominant nonsyndromic deafness 6; DIDMOAD (Diabetes Insipidus, Diabetes Mellitus, Optic Atrophy, and Deafness). Identifiers: Orphanet 90635, MedGen C1833021, MONDO:0010963, OMIM 600965.
Wolfram syndrome 1 (WFS1). Identifiers: Orphanet 3463, MedGen C4551693, MONDO:0009101, OMIM 222300.

Allele frequency attached by ClinVar (database versions not stated): gnomAD 0.01704; TOPMed 0.01868; 1000 Genomes Project 0.01937; 1000 Genomes Project 30x 0.01952.
gnomAD v4.1: 5,389 of 1,605,362 alleles (0.34%); highest among the groups gnomAD compares: African/African-American, 6.1%; 137 homozygotes.

Submissions (5):

GeneDx
Classification: Benign. Last evaluated: 2018-07-15. Review status: criteria provided, single submitter. Criteria: GeneDx Variant Classification Process June 2021. Collection method: clinical testing. Allele origin: germline. Affected: yes.

Illumina Laboratory Services, Illumina
Classification: Benign for WFS1-Related Spectrum Disorders. Last evaluated: 2018-01-12. Review status: criteria provided, single submitter. Criteria: ICSL Variant Classification Criteria 13 December 2019. Collection method: clinical testing. Allele origin: germline.
Comment: This variant was observed in the ICSL laboratory as part of a predisposition screen in an ostensibly healthy population. It had not been previously curated by ICSL or reported in the Human Gene Mutation Database (HGMD: prior to June 1st, 2018), and was therefore a candidate for classification through an automated scoring system. Utilizing variant allele frequency, disease prevalence and penetrance estimates, and inheritance mode, an automated score was calculated to assess if this variant is too frequent to cause the disease. Based on the score and internal cut-off values, a variant classified as benign is not then subjected to further curation. The score for this variant resulted in a classification of benign for this disease.

Illumina Laboratory Services, Illumina
Classification: Benign for Autosomal dominant nonsyndromic hearing loss 6. Last evaluated: 2018-01-12. Review status: criteria provided, single submitter. Criteria: ICSL Variant Classification Criteria 13 December 2019. Collection method: clinical testing. Allele origin: germline.
Comment: the same text as in the submission from Illumina Laboratory Services, Illumina above.

Breakthrough Genomics
Classification: Benign. Review status: criteria provided, single submitter. Criteria: ACMG Guidelines, 2015. Collection method: not provided. Allele origin: germline. Inheritance: Autosomal recessive inheritance. Affected: yes.

Clinical Genomics, Uppaluri K&H Personalized Medicine Clinic
Classification: Benign for Wolfram syndrome 1. Review status: criteria provided, single submitter. Criteria: K & H Uppaluri Personalized Medicine Clinic Variant Classification & Assertion Criteria_Updated V.1. Collection method: research. Allele origin: unknown. Inheritance: Autosomal recessive inheritance.
Comment: Potent mutations in WFS1 gene are associated with Wolfram's syndrome, an autosomal recessive condition, which cause diabetes mellitus, diabetes insipidus, deafness and optic atrophy.However no sufficient evidence is found to ascertain the role of this particular variant rs71526455 in Wolfram's syndrome yet.

Literature cited by the submitters: PubMed 20738327 (cited by Clinical Genomics, Uppaluri K&H Personalized Medicine Clinic); PubMed 33879153 (cited by Clinical Genomics, Uppaluri K&H Personalized Medicine Clinic); PubMed 12955714 (cited by Clinical Genomics, Uppaluri K&H Personalized Medicine Clinic); PubMed 18060660 (cited by Clinical Genomics, Uppaluri K&H Personalized Medicine Clinic); PubMed 20301750 (cited by Clinical Genomics, Uppaluri K&H Personalized Medicine Clinic); PubMed 17603484 (cited by Clinical Genomics, Uppaluri K&H Personalized Medicine Clinic).